The following is an entry in ClinVar:

NM_020877.5(DNAH2):c.4152C>G (p.Pro1384=)

Gene: DNAH2 (dynein axonemal heavy chain 2; plus strand). Cytogenetic location: 17p13.1.
Variant type: single nucleotide variant.
Coding change: c.4152C>G on transcript NM_020877.5 (MANE Select); coding-DNA position 4152, C replaced by G.
Protein change: p.Pro1384=; no amino-acid change (proline 1384 retained).
Molecular consequence: synonymous variant.
Genome position (GRCh38, 1-based): chr17:7,770,610, C>G. VCF-style: chr17-7770610-C-G. GRCh37 (hg19) VCF-style: chr17-7673928-C-G.
Other names: c.4152C>G (NM_020877.3).
Identifiers: ClinVar variation 402707 (VCV000402707.7), dbSNP rs9909288, ClinGen allele CA8357048.

ClinVar aggregate classification (germline): Benign. Review status: criteria provided, multiple submitters, no conflicts (2 of 4 stars). 3 submissions from 3 submitters: Benign (2). 1 of the submissions does not count toward it. Last evaluated 2016-03-29.

Conditions:
DNAH2-related disorder. Also called: DNAH2-related condition.

Allele frequency attached by ClinVar (database versions not stated): ESP Exome Variant Server 0.27749; gnomAD 0.29919 and 0.30325; TOPMed 0.31031; 1000 Genomes Project 30x 0.35759; 1000 Genomes Project 0.35803.
gnomAD v4.1: 457,697 of 1,613,714 alleles (28%); highest among the groups gnomAD compares: Admixed American, 46%; 67,444 homozygotes.

Submissions (3):

Laboratory for Molecular Medicine, Mass General Brigham Personalized Medicine
Classification: Benign. Last evaluated: 2016-03-29. Review status: criteria provided, single submitter. Criteria: LMM Criteria. Collection method: clinical testing. Allele origin: germline.
Comment: Variant identified in a genome or exome case(s) and assessed due to predicted null impact of the variant or pathogenic assertions in the literature or databases. Disclaimer: This variant has not undergone full assessment. The following are preliminary notes: Frequency

Breakthrough Genomics
Classification: Benign. Review status: criteria provided, single submitter. Criteria: ACMG Guidelines, 2015. Collection method: not provided. Allele origin: germline. Inheritance: Autosomal recessive inheritance. Affected: yes.

PreventionGenetics, part of Exact Sciences
Classification: Benign for DNAH2-related condition. Last evaluated: 2019-10-21. Review status: no assertion criteria provided. Collection method: clinical testing. Allele origin: germline. Not counted in ClinVar's aggregate classification.
Comment: This variant is classified as benign based on ACMG/AMP sequence variant interpretation guidelines (Richards et al. 2015 PMID: 25741868, with internal and published modifications).